The following is an entry in ClinVar:

NM_002317.7(LOX):c.968del (p.Phe323fs)

Genes: LOX (lysyl oxidase; minus strand), SRFBP1 (serum response factor binding protein 1; plus strand). Cytogenetic location: 5q23.1.
Variant type: Deletion.
Coding change: c.968del on transcript NM_002317.7 (MANE Select); coding-DNA position 968, one base deleted (T; older notation c.968delT).
Protein change: p.Phe323fs; shifts the reading frame from phenylalanine 323.
Molecular consequence: frameshift variant.
Genome position (GRCh38, 1-based): chr5:122,074,080, A deleted on the plus strand (T on the coding strand, the reverse complement: LOX is on the minus strand); the first of 3 consecutive A bases (chr5:122,074,080-122,074,082); deleting any one gives the same sequence. VCF-style (leftmost placement, unchanged base first): chr5-122074079-GA-G. GRCh37 (hg19) VCF-style: chr5-121409774-GA-G.
Other names: c.278del, p.Phe93fs (NM_001178102.2); c.77del, p.Phe26fs (NM_001317073.1); short protein forms F26fs, F323fs, F93fs.
Identifiers: ClinVar variation 3051592 (VCV003051592.2), dbSNP rs2532908296, ClinGen allele CA2740094064.

ClinVar aggregate classification (germline): Uncertain significance (0 of 4 stars; one submission).

Conditions:
LOX-related disorder. Also called: LOX-related disorders; LOX-related condition.

Submission:

PreventionGenetics, part of Exact Sciences
Classification: Uncertain significance for LOX-related condition. Last evaluated: 2023-12-28. Review status: no assertion criteria provided. Collection method: clinical testing. Allele origin: germline.
Comment: The LOX c.968delT variant is predicted to result in a frameshift and premature protein termination (p.Phe323Serfs*25). To our knowledge, this variant has not been reported in the literature or in a large population database, indicating this variant is rare. Although we suspect that this variant may be pathogenic, at this time, the clinical significance of this variant is uncertain due to the absence of conclusive functional and genetic evidence.